The following is an entry in ClinVar:

ClinVar aggregate classification (germline): Uncertain significance (1 of 4 stars; one submission).

Conditions:
Haddad syndrome (OHD). Also called: Ondine-Hirschsprung disease. Identifiers: Orphanet 99803, MedGen C1859049, MONDO:0020493.

Submission:

Labcorp Genetics (formerly Invitae), Labcorp
Classification: Uncertain significance for Haddad syndrome. Last evaluated: 2022-10-14. Review status: criteria provided, single submitter. Criteria: Invitae Variant Classification Sherloc (09022015). Collection method: clinical testing. Allele origin: germline.
Comment: In summary, the available evidence is currently insufficient to determine the role of this variant in disease. Therefore, it has been classified as a Variant of Uncertain Significance. Advanced modeling of protein sequence and biophysical properties (such as structural, functional, and spatial information, amino acid conservation, physicochemical variation, residue mobility, and thermodynamic stability) performed at Invitae indicates that this missense variant is not expected to disrupt PHOX2B protein function. This variant has not been reported in the literature in individuals affected with PHOX2B-related conditions. This variant is not present in population databases (gnomAD no frequency). This sequence change replaces proline, which is neutral and non-polar, with serine, which is neutral and polar, at codon 204 of the PHOX2B protein (p.Pro204Ser).

NM_003924.4(PHOX2B):c.610C>T (p.Pro204Ser)

Gene: PHOX2B (paired like homeobox 2B; minus strand). Cytogenetic location: 4p13.
Variant type: single nucleotide variant.
Coding change: c.610C>T on transcript NM_003924.4 (MANE Select); coding-DNA position 610, C replaced by T.
Protein change: p.Pro204Ser; replaces proline 204 with serine.
Molecular consequence: missense variant.
Genome position (GRCh38, 1-based): chr4:41,746,142, G>A on the plus strand (C>T on the coding strand, the complement: PHOX2B is on the minus strand). VCF-style: chr4-41746142-G-A. GRCh37 (hg19) VCF-style: chr4-41748159-G-A.
Other names: short protein forms P204S.
Identifiers: ClinVar variation 1721645 (VCV001721645.5), dbSNP rs1292727082, ClinGen allele CA356737743.
Genomic context (GRCh38, chr4:41,746,142, plus strand): 5'-GAGCTCCAGCCGGGCTGGGCCCGCCGCCGCCGCCTCCATTCGCCCCGCAGCTGGGGGTGG[G>A]GTTGGGATTGGGACCTGGGCCCCCAGTGCTGTCCGGGTCAGTGCTCTTGGCCTCTTTGCT-3'
Protein context (NP_003915.2, residues 194-214): STGGPGPNPN[Pro204Ser]TPSCGANGGG